The following is an entry in ClinVar:

NM_018117.12(WDR11):c.2321C>T (p.Ala774Val)

Gene: WDR11 (WD repeat domain 11; plus strand). Cytogenetic location: 10q26.12.
Variant type: single nucleotide variant.
Coding change: c.2321C>T on transcript NM_018117.12 (MANE Select); coding-DNA position 2321, C replaced by T.
Protein change: p.Ala774Val; replaces alanine 774 with valine.
Molecular consequence: missense variant.
Genome position (GRCh38, 1-based): chr10:120,889,987, C>T. VCF-style: chr10-120889987-C-T. GRCh37 (hg19) VCF-style: chr10-122649499-C-T.
Other names: short protein forms A774V.
Identifiers: ClinVar variation 1806341 (VCV001806341.1), dbSNP rs2493340794, ClinGen allele CA378330197.
Genomic context (GRCh38, chr10:120,889,987, plus strand): 5'-AGATTCGTTTTGCTCCTGGTAAAGGAAATCAAAAATTAATAGCAATGTACAATGATGGAG[C>T]TGAAGTGTGGGATACTAAAGAGGTAGGCCCTCTCCATGAGGATAAAACGTAAATAAATTG-3'
Protein context (NP_060587.8, residues 764-784): QKLIAMYNDG[Ala774Val]EVWDTKEVQM

ClinVar aggregate classification (germline): Uncertain significance (1 of 4 stars; one submission).

Conditions:
Hypogonadotropic hypogonadism 14 with or without anosmia (HH14). Also called: HYPOGONADOTROPIC HYPOGONADISM 14 WITHOUT ANOSMIA. Identifiers: Orphanet 478, MedGen C3540450, MONDO:0013926, OMIM 614858.

Submission:

Victorian Clinical Genetics Services, Murdoch Childrens Research Institute
Classification: Uncertain significance for Hypogonadotropic hypogonadism 14 with or without anosmia. Last evaluated: 2020-10-19. Review status: criteria provided, single submitter. Criteria: ACMG Guidelines, 2015. Collection method: clinical testing. Allele origin: germline. Inheritance: Autosomal dominant inheritance.
Comment: Based on the classification scheme VCGS_Germline_v1.1.1, this variant is classified as VUS - 3B. Following criteria are met: 0105 - The mechanism of disease for this gene is not clearly established. Very few variants have been described for this gene, with questionable pathogenicity. 0107 - This gene is known to be associated with autosomal dominant disease. (N) 0112 - Variants in this gene are known to have reduced penetrance. Reduced penetrance is indicated in PMID: 29263200. (N) 0200 - Variant is predicted to result in a missense amino acid change from alanine to valine. (N) 0251 - Variant is heterozygous. (N) 0301 - Variant is absent from gnomAD v2.1.1, and v3. (P) 0503 - Missense variant consistently predicted to be tolerated or not conserved in mammals with a minor amino acid change. 4/4 in silico analyses. Low conservation, minor amino acid change. (B) 0600 - Variant is located in an annotated domain or motif. Located in a WD40 domain (UniProt, NCBI Conserved Domains). (N) 0705 - No comparable variants have previous evidence for pathogenicity. (N) 0807 - Variant has not previously been reported in a clinical context. (N) 0905 - No segregation evidence has been identified for this variant. (N) 1007 - No published functional evidence has been identified for this variant. (N) 1208 - Inheritance information for this variant is not currently available. (N) Legend: (P) - Pathogenic, (N) - Neutral, (B) - Benign

Literature cited by the submitters: PubMed 29263200.